The following is an entry in ClinVar:

NM_000156.6(GAMT):c.622C>A (p.Arg208Ser)

Gene: GAMT (guanidinoacetate N-methyltransferase; minus strand). Cytogenetic location: 19p13.3.
Variant type: single nucleotide variant.
Coding change: c.622C>A on transcript NM_000156.6 (MANE Select); coding-DNA position 622, C replaced by A.
Protein change: p.Arg208Ser; replaces arginine 208 with serine.
Molecular consequence: missense variant.
Genome position (GRCh38, 1-based): chr19:1,397,448, G>T on the plus strand (C>A on the coding strand, the complement: GAMT is on the minus strand). VCF-style: chr19-1397448-G-T. GRCh37 (hg19) VCF-style: chr19-1397447-G-T.
Other names: short protein forms R208S.
Identifiers: ClinVar variation 1496791 (VCV001496791.8), dbSNP rs778279369, ClinGen allele CA402990783.
Genomic context (GRCh38, chr19:1,397,448, plus strand): 5'-TCTGTGGGAAGGCGTAGTAGCGGCAGTCGGCCGGTGGGACCAGCGCCATCACCTCCGTAC[G>T]GATGTTCTCCCTCCGGAAGCCGGCCTCCAGCAGCGCGGGCACCTGCGTCTCCTGGTCGGG-3'
Protein context (NP_000147.1, residues 198-218): LEAGFRRENI[Arg208Ser]TEVMALVPPA

ClinVar aggregate classification (germline): Uncertain significance. Review status: criteria provided, multiple submitters, no conflicts (2 of 4 stars). 2 submissions from 2 submitters: Uncertain significance (2). Last evaluated 2024-10-17.

Conditions:
Cerebral creatine deficiency syndrome. Also called: Creatine deficiency syndromes. Identifiers: Orphanet 79172, MedGen C5244016, MONDO:0000456.

Submissions (2):

Labcorp Genetics (formerly Invitae), Labcorp
Classification: Uncertain significance for Cerebral creatine deficiency syndrome. Last evaluated: 2024-10-17. Review status: criteria provided, single submitter. Criteria: Invitae Variant Classification Sherloc (09022015). Collection method: clinical testing. Allele origin: germline.
Comment: This sequence change replaces arginine, which is basic and polar, with serine, which is neutral and polar, at codon 208 of the GAMT protein (p.Arg208Ser). This variant is not present in population databases (gnomAD no frequency). This variant has not been reported in the literature in individuals affected with GAMT-related conditions. ClinVar contains an entry for this variant (Variation ID: 1496791). Invitae Evidence Modeling of protein sequence and biophysical properties (such as structural, functional, and spatial information, amino acid conservation, physicochemical variation, residue mobility, and thermodynamic stability) indicates that this missense variant is not expected to disrupt GAMT protein function with a negative predictive value of 95%. In summary, the available evidence is currently insufficient to determine the role of this variant in disease. Therefore, it has been classified as a Variant of Uncertain Significance.

Blueprint Genetics
Classification: Uncertain significance. Last evaluated: 2020-03-11. Review status: criteria provided, single submitter. Criteria: ACMG Guidelines, 2015. Collection method: clinical testing. Allele origin: germline.